The following is an entry in ClinVar:

NM_003239.5(TGFB3):c.235C>G (p.Leu79Val)

Gene: TGFB3 (transforming growth factor beta 3; minus strand). Cytogenetic location: 14q24.3.
Variant type: single nucleotide variant.
Coding change: c.235C>G on transcript NM_003239.5 (MANE Select); coding-DNA position 235, C replaced by G.
Protein change: p.Leu79Val; replaces leucine 79 with valine.
Molecular consequence: missense variant.
Genome position (GRCh38, 1-based): chr14:75,980,659, G>C on the plus strand (C>G on the coding strand, the complement: TGFB3 is on the minus strand). VCF-style: chr14-75980659-G-C. GRCh37 (hg19) VCF-style: chr14-76447002-G-C.
Other names: c.235C>G, p.Leu79Val (NM_001329938.2, NM_001329939.2); short protein forms L79V.
Identifiers: ClinVar variation 579759 (VCV000579759.15), dbSNP rs371230847, ClinGen allele CA7280492.

ClinVar aggregate classification (germline): Uncertain significance. Review status: criteria provided, multiple submitters, no conflicts (2 of 4 stars). 3 submissions from 3 submitters: Uncertain significance (3). Last evaluated 2024-08-06.

Conditions:
Arrhythmogenic right ventricular dysplasia 1. Identifiers: Orphanet 3403, MedGen C1862511, MONDO:0007152, OMIM 107970.
Rienhoff syndrome. Also called: LOEYS-DIETZ SYNDROME 5. Identifiers: MedGen C3810012, MONDO:0014262, OMIM 615582.
Familial thoracic aortic aneurysm and aortic dissection (TAAD). Also called: Thoracic aortic aneurysms and dissections. Identifiers: Orphanet 91387, MedGen C4707243, MONDO:0019625.

Allele frequency attached by ClinVar (database versions not stated): gnomAD exomes below 0.00001 and 0.00002; ExAC 0.00001; TOPMed 0.00003; gnomAD 0.00005 and 0.00006; ESP Exome Variant Server 0.00008.
gnomAD v4.1: 12 of 1,614,130 alleles (0.00074%); highest among the groups gnomAD compares: African/African-American, 0.015%; no homozygotes.

Submissions (3):

Labcorp Genetics (formerly Invitae), Labcorp
Classification: Uncertain significance for Rienhoff syndrome. Last evaluated: 2024-08-06. Review status: criteria provided, single submitter. Criteria: Invitae Variant Classification Sherloc (09022015). Collection method: clinical testing. Allele origin: germline.
Comment: This sequence change replaces leucine, which is neutral and non-polar, with valine, which is neutral and non-polar, at codon 79 of the TGFB3 protein (p.Leu79Val). This variant is present in population databases (rs371230847, gnomAD 0.03%). This variant has not been reported in the literature in individuals affected with TGFB3-related conditions. ClinVar contains an entry for this variant (Variation ID: 579759). Advanced modeling of protein sequence and biophysical properties (such as structural, functional, and spatial information, amino acid conservation, physicochemical variation, residue mobility, and thermodynamic stability) performed at Invitae indicates that this missense variant is not expected to disrupt TGFB3 protein function with a negative predictive value of 80%. In summary, the available evidence is currently insufficient to determine the role of this variant in disease. Therefore, it has been classified as a Variant of Uncertain Significance.

Fulgent Genetics
Classification: Uncertain significance for Arrhythmogenic right ventricular dysplasia 1; Rienhoff syndrome. Last evaluated: 2024-04-30. Review status: criteria provided, single submitter. Criteria: ACMG Guidelines, 2015. Collection method: clinical testing. Allele origin: germline.

Ambry Genetics
Classification: Uncertain significance for Familial thoracic aortic aneurysm and aortic dissection. Last evaluated: 2024-02-20. Review status: criteria provided, single submitter. Criteria: Ambry Variant Classification Scheme 2023. Collection method: clinical testing. Allele origin: germline.
Comment: The p.L79V variant (also known as c.235C>G), located in coding exon 1 of the TGFB3 gene, results from a C to G substitution at nucleotide position 235. The leucine at codon 79 is replaced by valine, an amino acid with highly similar properties. This amino acid position is well conserved in available vertebrate species. In addition, this alteration is predicted to be tolerated by in silico analysis. Since supporting evidence is limited at this time, the clinical significance of this alteration remains unclear.